The following is an entry in ClinVar:

ClinVar aggregate classification (germline): Uncertain significance (1 of 4 stars; one submission).

Conditions:
RAB23-related disorder. Also called: RAB23-related condition.

Submission:

PreventionGenetics, part of Exact Sciences
Classification: Uncertain significance for RAB23-related condition. Last evaluated: 2026-02-03. Review status: criteria provided, single submitter. Criteria: ACMG Guidelines, 2015. Collection method: clinical testing. Allele origin: germline.
Comment: The RAB23 c.33_34dupGA variant is predicted to result in a frameshift and premature protein termination (p.Met12Argfs*5). To our knowledge, this variant has not been reported in the literature or in a large population database (gnomAD), indicating this variant is rare. No truncating variants in the upstream region relative to this variant have been reported. Although we suspect that this variant may be pathogenic, at this time, the clinical significance of this variant is uncertain due to the absence of conclusive functional and genetic evidence.

NM_016277.5(RAB23):c.33_34dup (p.Met12fs)

Gene: RAB23 (RAB23, member RAS oncogene family; minus strand). Cytogenetic location: 6p11.2.
Variant type: Duplication.
Coding change: c.33_34dup on transcript NM_016277.5 (MANE Select); coding-DNA positions 33 to 34, 2 bases duplicated (GA; older notation c.33_34dupGA).
Protein change: p.Met12fs; shifts the reading frame from methionine 12.
Molecular consequence: frameshift variant. On other transcripts: non-coding transcript variant (1).
Genome position (GRCh38, 1-based): chr6:57,210,347-57,210,348, TC duplicated on the plus strand (GA on the coding strand, the reverse complement: RAB23 is on the minus strand); duplicating any 2 consecutive bases within chr6:57,210,347-57,210,349 gives the same sequence; the c. name uses the placement nearest the transcript's 3' end. VCF-style (leftmost placement, unchanged base first): chr6-57210346-A-ATC. GRCh37 (hg19) VCF-style: chr6-57075144-A-ATC.
Other names: c.33_34dup, p.Met12fs (NM_001278666.2, NM_001278667.2, NM_001278668.2 and 1 more transcripts); c.33_34dupGA (NM_183227.2); short protein forms M12fs.
Identifiers: ClinVar variation 4990921 (VCV004990921.1).